The following is an entry in ClinVar:

ClinVar aggregate classification (germline): Likely pathogenic (1 of 4 stars; one submission).

Conditions:
Arrhythmogenic right ventricular dysplasia 8 (ARVD8). Also called: ARRHYTHMOGENIC RIGHT VENTRICULAR DYSPLASIA, FAMILIAL, 8; ARRHYTHMOGENIC RIGHT VENTRICULAR CARDIOMYOPATHY 8; Arrhythmogenic Right Ventricular Dysplasia/Cardiomyopathy 8. Identifiers: MedGen C1843896, MONDO:0011831, OMIM 607450.

Submission:

Victorian Clinical Genetics Services, Murdoch Childrens Research Institute
Classification: Likely pathogenic for Arrhythmogenic right ventricular dysplasia 8. Last evaluated: 2020-05-01. Review status: criteria provided, single submitter. Criteria: ACMG Guidelines, 2015. Collection method: clinical testing. Allele origin: germline. Affected: yes.
Comment: Based on the classification scheme VCGS_Germline_v1.1.1, this variant is classified as Likely pathogenic. Following criteria are met: 0102 - Loss-of-function is a known mechanism of disease for this gene. (N) 0108 - This gene is known to be associated with both recessive and dominant disease. Autosomal dominant for arrhythmogenic right ventricular dysplasia and dilated cardiomyopathy with woolly hair, keratoderma, and tooth agenesis. Autosomal recessive for dilated cardiomyopathy with woolly hair and keratoderma (N) 0205 - Variant is predicted to result in a truncated protein with less than 1/3 of the protein affected. Approximately 17% of the protein is truncated (exon 24 of 24). (P) 0251 - Variant is heterozygous. (N) 0301 - Variant is absent from gnomAD. (P) 0702 - Comparable variants have strong previous evidence for pathogenicity. Heterozygous truncating DSP variants have been reported in ARVD/C patients downstream of this variant (VCGS, Castelletti, S. et al. (2017), ClinVar) (P) 0807 - Variant has not previously been reported in a clinical context. (N) 0905 - No segregation evidence has been identified for this variant. (N) 1007 - No published functional evidence has been identified for this variant. (N) 1208 - Inheritance information for this variant is not currently available. (N) Legend: (P) - Pathogenic, (N) - Neutral, (B) - Benign

Literature cited by the submitters: PubMed 28527814.

NM_004415.4(DSP):c.7113_7119del (p.Ile2372fs)

Gene: DSP (desmoplakin; plus strand). Cytogenetic location: 6p24.3.
Variant type: Deletion.
Coding change: c.7113_7119del on transcript NM_004415.4 (MANE Select); coding-DNA positions 7113 to 7119, 7 bases deleted (GATCGCA; older notation c.7113_7119delGATCGCA).
Protein change: p.Ile2372fs; shifts the reading frame from isoleucine 2372.
Molecular consequence: frameshift variant.
Genome position (GRCh38, 1-based): chr6:7,584,375-7,584,381, GATCGCA deleted; deleting any 7 consecutive bases within chr6:7,584,373-7,584,381 gives the same sequence; the c. name uses the placement nearest the transcript's 3' end. VCF-style (leftmost placement, unchanged base first): chr6-7584372-ACAGATCG-A. GRCh37 (hg19) VCF-style: chr6-7584605-ACAGATCG-A.
Other names: c.5316_5322del, p.Ile1773fs (NM_001008844.3); c.5784_5790del, p.Ile1929fs (NM_001319034.2); short protein forms I1773fs, I1929fs, I2372fs.
Identifiers: ClinVar variation 3377488 (VCV003377488.1).